The following is an entry in ClinVar:

NM_002692.4(POLE2):c.286C>T (p.Arg96Cys)

Gene: POLE2 (DNA polymerase epsilon 2, accessory subunit; minus strand). Cytogenetic location: 14q21.3.
Variant type: single nucleotide variant.
Coding change: c.286C>T on transcript NM_002692.4 (MANE Select); coding-DNA position 286, C replaced by T.
Protein change: p.Arg96Cys; replaces arginine 96 with cysteine.
Molecular consequence: missense variant. On other transcripts: intron variant (1).
Genome position (GRCh38, 1-based): chr14:49,674,387, G>A on the plus strand (C>T on the coding strand, the complement: POLE2 is on the minus strand). VCF-style: chr14-49674387-G-A. GRCh37 (hg19) VCF-style: chr14-50141105-G-A.
Other names: c.286C>T, p.Arg96Cys (NM_001197331.3, NM_001348384.2); c.55C>T, p.Arg19Cys (NM_001348385.2); c.246-171C>T (NM_001197330.2); short protein forms R96C, R19C.
Identifiers: ClinVar variation 4737305 (VCV004737305.1).
Genomic context (GRCh38, chr14:49,674,387, plus strand): 5'-AAATCAGTGGATGACATACTTACGGAAGAAATTTTTTTCTTTCTGAATTGTACACAAAGC[G>A]TGGAATATCAAATGCTCCTATGATATTGAAAACGTGCTCTCTGAAAAACATCCCACAAAA-3'
Protein context (NP_002683.2, residues 86-106): FNIIGAFDIP[Arg96Cys]FVYNSERKKF

ClinVar aggregate classification (germline): Uncertain significance (1 of 4 stars; one submission).

Submission:

Labcorp Genetics (formerly Invitae), Labcorp
Classification: Uncertain significance. Last evaluated: 2025-03-16. Review status: criteria provided, single submitter. Criteria: Invitae Variant Classification Sherloc (09022015). Collection method: clinical testing. Allele origin: germline.
Comment: This sequence change replaces arginine, which is basic and polar, with cysteine, which is neutral and slightly polar, at codon 96 of the POLE2 protein (p.Arg96Cys). This variant is present in population databases (rs767906179, gnomAD 0.02%). This variant has not been reported in the literature in individuals affected with POLE2-related conditions. An algorithm developed to predict the effect of missense changes on protein structure and function (PolyPhen-2) suggests that this variant is likely to be disruptive. Algorithms developed to predict the effect of sequence changes on RNA splicing suggest that this variant may disrupt the consensus splice site. In summary, the available evidence is currently insufficient to determine the role of this variant in disease. Therefore, it has been classified as a Variant of Uncertain Significance.